The following is an entry in ClinVar:

NM_015272.5(RPGRIP1L):c.2239C>T (p.Arg747Ter)

Gene: RPGRIP1L (RPGRIP1 like; minus strand). Cytogenetic location: 16q12.2.
Variant type: single nucleotide variant.
Coding change: c.2239C>T on transcript NM_015272.5 (MANE Select); coding-DNA position 2239, C replaced by T.
Protein change: p.Arg747Ter; replaces arginine 747 with a stop codon.
Molecular consequence: nonsense.
Genome position (GRCh38, 1-based): chr16:53,649,029, G>A on the plus strand (C>T on the coding strand, the complement: RPGRIP1L is on the minus strand). VCF-style: chr16-53649029-G-A. GRCh37 (hg19) VCF-style: chr16-53682941-G-A.
Other names: c.2239C>T, p.Arg747Ter (NM_001127897.4, NM_001308334.3, NM_001330538.2); short protein forms R747*.
Identifiers: ClinVar variation 1459489 (VCV001459489.11), dbSNP rs767686118, ClinGen allele CA8057595.

ClinVar aggregate classification (germline): Pathogenic/Likely pathogenic. Review status: criteria provided, multiple submitters, no conflicts (2 of 4 stars). 6 submissions from 6 submitters: Pathogenic (1); Likely pathogenic (5). Last evaluated 2024-07-18.

Conditions:
Meckel syndrome, type 5 (MKS5). Identifiers: Orphanet 564, MedGen C1969052, MONDO:0012695, OMIM 611561.
COACH syndrome 3. Identifiers: MedGen C5436841, MONDO:0030862, OMIM 619113.
Joubert syndrome 7 (JBTS7). Identifiers: Orphanet 220497, MedGen C1969053, MONDO:0012694, OMIM 611560.
Meckel-Gruber syndrome. Also called: Dysencephalia splachnocystica; DYSENCEPHALIA SPLANCHNOCYSTICA; GRUBER SYNDROME. Identifiers: Orphanet 564, MedGen C0265215, MONDO:0018921.
Joubert syndrome. Also called: Familial aplasia of the vermis; JOUBERT-BOLTSHAUSER SYNDROME. Identifiers: Orphanet 475, MedGen C5979921, MONDO:0018772.
Joubert syndrome and related disorders. Identifiers: Orphanet 140874, MedGen C5679612, MONDO:0015369.
RPGRIP1L-related disorder. Also called: RPGRIP1L-related disorders; RPGRIP1L-related condition. Identifiers: MedGen CN239416.

Allele frequency attached by ClinVar (database versions not stated): TOPMed below 0.00001; ExAC 0.00001.

Submissions (6):

Blueprint Genetics
Classification: Likely pathogenic for RPGRIP1L-related disorders. Last evaluated: 2024-07-18. Review status: criteria provided, single submitter. Criteria: ACMG Guidelines, 2015. Collection method: clinical testing. Allele origin: germline. Affected: yes. Observed: 3 variant alleles.

Natera, Inc.
Classification: Likely pathogenic for Joubert syndrome. Last evaluated: 2024-06-11. Review status: criteria provided, single submitter. Criteria: Natera Variant Classification Schema (03/2026). Collection method: clinical testing. Allele origin: germline.
Comment: The c.2239C>T variant in RPGRIP1L is a nonsense variant predicted to introduce a stop codon at amino acid 747. This variant is expected to result in nonsense mediated decay, truncation, or a dysfunctional protein product. This variant is rare in the general population with a frequency below the threshold expected for the associated phenotype(s). Given the available evidence, this variant is classified as Likely Pathogenic.

Revvity Omics, Revvity
Classification: Likely pathogenic. Last evaluated: 2024-04-18. Review status: criteria provided, single submitter. Criteria: ACMG Guidelines, 2015. Collection method: clinical testing. Allele origin: germline.

Labcorp Genetics (formerly Invitae), Labcorp
Classification: Pathogenic for Joubert syndrome; Meckel-Gruber syndrome. Last evaluated: 2023-05-22. Review status: criteria provided, single submitter. Criteria: Invitae Variant Classification Sherloc (09022015). Collection method: clinical testing. Allele origin: germline.
Comment: This sequence change creates a premature translational stop signal (p.Arg747*) in the RPGRIP1L gene. It is expected to result in an absent or disrupted protein product. Loss-of-function variants in RPGRIP1L are known to be pathogenic (PMID: 17558409). This variant is present in population databases (rs767686118, gnomAD 0.0009%). This variant has not been reported in the literature in individuals affected with RPGRIP1L-related conditions. ClinVar contains an entry for this variant (Variation ID: 1459489). For these reasons, this variant has been classified as Pathogenic.

Women's Health and Genetics/Laboratory Corporation of America, LabCorp
Classification: Likely pathogenic for Joubert syndrome and related disorders. Last evaluated: 2022-11-25. Review status: criteria provided, single submitter. Criteria: LabCorp Variant Classification Summary - May 2015. Collection method: clinical testing. Allele origin: germline.
Comment: Variant summary: RPGRIP1L c.2239C>T (p.Arg747X) results in a premature termination codon, predicted to cause a truncation of the encoded protein or absence of the protein due to nonsense mediated decay, which are commonly known mechanisms for disease. Truncations downstream of this position have been classified as pathogenic in ClinVar. The variant allele was found at a frequency of 4e-06 in 251386 control chromosomes (gnomAD). To our knowledge, no occurrence of c.2239C>T in individuals affected with Joubert Syndrome And Related Disorders and no experimental evidence demonstrating its impact on protein function have been reported. One clinical diagnostic laboratory has submitted clinical-significance assessments for this variant to ClinVar after 2014 and classified the variant as pathogenic. Based on the evidence outlined above, the variant was classified as likely pathogenic.

Fulgent Genetics
Classification: Likely pathogenic for Joubert syndrome 7; Meckel syndrome, type 5; COACH syndrome 3. Last evaluated: 2022-02-07. Review status: criteria provided, single submitter. Criteria: ACMG Guidelines, 2015. Collection method: clinical testing. Allele origin: unknown.

Literature cited by the submitters: PubMed 17558409 (cited by Labcorp Genetics (formerly Invitae), Labcorp).